The following is an entry in ClinVar:

NM_001015880.2(PAPSS2):c.398G>T (p.Arg133Leu)

Gene: PAPSS2 (3'-phosphoadenosine 5'-phosphosulfate synthase 2; plus strand). Cytogenetic location: 10q23.31.
Variant type: single nucleotide variant.
Coding change: c.398G>T on transcript NM_001015880.2 (MANE Select); coding-DNA position 398, G replaced by T.
Protein change: p.Arg133Leu; replaces arginine 133 with leucine.
Molecular consequence: missense variant.
Genome position (GRCh38, 1-based): chr10:87,714,060, G>T. VCF-style: chr10-87714060-G-T. GRCh37 (hg19) VCF-style: chr10-89473817-G-T.
Other names: c.398G>T, p.Arg133Leu (NM_004670.4); c.398G>T (NM_004670.3); short protein forms R133L.
Identifiers: ClinVar variation 2888071 (VCV002888071.4), dbSNP rs756272517, ClinGen allele CA5589459.

ClinVar aggregate classification (germline): Uncertain significance. Review status: criteria provided, multiple submitters, no conflicts (2 of 4 stars). 2 submissions from 2 submitters: Uncertain significance (2). Last evaluated 2024-06-03.

Conditions:
Spondyloepimetaphyseal dysplasia, PAPSS2 type. Also called: BRACHYOLMIA TYPE 4 WITH MILD EPIPHYSEAL AND METAPHYSEAL CHANGES; SPONDYLODYSPLASIA AND PREMATURE PUBARCHE; SEMD, PAKISTANI TYPE. Identifiers: Orphanet 93282, MedGen C2748516, MONDO:0019666, OMIM 612847.
Inborn genetic diseases. Identifiers: MedGen C0950123, MeSH D030342.

gnomAD v4.1: 7 of 1,613,770 alleles (0.00043%); highest among the groups gnomAD compares: East Asian, 0.0089%; no homozygotes.

Submissions (2):

Ambry Genetics
Classification: Uncertain significance for Inborn genetic diseases. Last evaluated: 2024-06-03. Review status: criteria provided, single submitter. Criteria: Ambry Variant Classification Scheme 2023. Collection method: clinical testing. Allele origin: germline.

Labcorp Genetics (formerly Invitae), Labcorp
Classification: Uncertain significance for Spondyloepimetaphyseal dysplasia, PAPSS2 type. Last evaluated: 2023-09-11. Review status: criteria provided, single submitter. Criteria: Invitae Variant Classification Sherloc (09022015). Collection method: clinical testing. Allele origin: germline.
Comment: In summary, the available evidence is currently insufficient to determine the role of this variant in disease. Therefore, it has been classified as a Variant of Uncertain Significance. An algorithm developed to predict the effect of missense changes on protein structure and function (PolyPhen-2) suggests that this variant is likely to be disruptive. This variant has not been reported in the literature in individuals affected with PAPSS2-related conditions. This variant is present in population databases (rs756272517, gnomAD 0.03%). This sequence change replaces arginine, which is basic and polar, with leucine, which is neutral and non-polar, at codon 133 of the PAPSS2 protein (p.Arg133Leu).